The following is an entry in ClinVar:

ClinVar aggregate classification (germline): Uncertain significance (1 of 4 stars; one submission).

Conditions:
Retinoblastoma (RB1). Also called: RETINOBLASTOMA, SOMATIC. Identifiers: Orphanet 790, MedGen C0035335, MeSH D012175, MONDO:0008380, OMIM 180200, HP:0009919. Disease mechanism: loss of function. Inheritance: Both sporadic and heritable forms are tested..

Allele frequency attached by ClinVar (database versions not stated): gnomAD 0.00001; TOPMed 0.00001.

Submission:

Labcorp Genetics (formerly Invitae), Labcorp
Classification: Uncertain significance for Retinoblastoma. Last evaluated: 2024-07-06. Review status: criteria provided, single submitter. Criteria: Invitae Variant Classification Sherloc (09022015). Collection method: clinical testing. Allele origin: germline.
Comment: This sequence change replaces lysine, which is basic and polar, with arginine, which is basic and polar, at codon 4 of the RB1 protein (p.Lys4Arg). This variant is not present in population databases (gnomAD no frequency). This variant has not been reported in the literature in individuals affected with RB1-related conditions. ClinVar contains an entry for this variant (Variation ID: 852967). Advanced modeling of protein sequence and biophysical properties (such as structural, functional, and spatial information, amino acid conservation, physicochemical variation, residue mobility, and thermodynamic stability) has been performed at Invitae for this missense variant, however the output from this modeling did not meet the statistical confidence thresholds required to predict the impact of this variant on RB1 protein function. In summary, the available evidence is currently insufficient to determine the role of this variant in disease. Therefore, it has been classified as a Variant of Uncertain Significance.

NM_000321.3(RB1):c.11A>G (p.Lys4Arg)

Gene: RB1 (RB transcriptional corepressor 1; plus strand). Cytogenetic location: 13q14.2.
Variant type: single nucleotide variant.
Coding change: c.11A>G on transcript NM_000321.3 (MANE Select); coding-DNA position 11, A replaced by G.
Protein change: p.Lys4Arg; replaces lysine 4 with arginine.
Molecular consequence: missense variant.
Genome position (GRCh38, 1-based): chr13:48,303,923, A>G. VCF-style: chr13-48303923-A-G. GRCh37 (hg19) VCF-style: chr13-48878059-A-G.
Other names: short protein forms K4R.
Identifiers: ClinVar variation 852967 (VCV000852967.9), dbSNP rs1371181708, ClinGen allele CA388250154.